The following is an entry in ClinVar:

ClinVar aggregate classification (germline): Likely benign. Review status: criteria provided, multiple submitters, no conflicts (2 of 4 stars). 2 submissions from 2 submitters: Likely benign (2). Last evaluated 2025-11-25.

Conditions:
Hereditary spastic paraplegia 50 (SPG50). Also called: Spastic paraplegia 50, autosomal recessive. Identifiers: Orphanet 280763, MedGen C2752008, MONDO:0013048, OMIM 612936.
AP4M1-related disorder. Also called: AP4M1-related condition.

Submissions (2):

PreventionGenetics, part of Exact Sciences
Classification: Likely benign for AP4M1-related condition. Last evaluated: 2025-11-25. Review status: criteria provided, single submitter. Criteria: ACMG Guidelines, 2015. Collection method: clinical testing. Allele origin: germline.
Comment: This variant is classified as likely benign based on ACMG/AMP sequence variant interpretation guidelines (Richards et al. 2015 PMID: 25741868, with internal and published modifications).

Labcorp Genetics (formerly Invitae), Labcorp
Classification: Likely benign for Hereditary spastic paraplegia 50. Last evaluated: 2025-10-19. Review status: criteria provided, single submitter. Criteria: Invitae Variant Classification Sherloc (09022015). Collection method: clinical testing. Allele origin: germline.

NM_004722.4(AP4M1):c.1138-4A>G

Gene: AP4M1 (adaptor related protein complex 4 subunit mu 1; plus strand). Cytogenetic location: 7q22.1.
Variant type: single nucleotide variant.
Coding change: c.1138-4A>G on transcript NM_004722.4 (MANE Select); 4 bases into the intron before coding-DNA position 1138, A replaced by G.
Molecular consequence: intron variant.
Genome position (GRCh38, 1-based): chr7:100,106,654, A>G. VCF-style: chr7-100106654-A-G. GRCh37 (hg19) VCF-style: chr7-99704277-A-G.
Other names: c.1138-4A>G (NM_001438825.1, NM_001438826.1, NM_004722.3); c.1159-4A>G (NM_001438824.1, NM_001363671.2); c.1159-127A>G (NM_001438827.1); c.754-4A>G (NM_001438831.1, NM_001438832.1); c.1138-127A>G (NM_001438828.1); c.934-4A>G (NM_001438829.1); c.934-127A>G (NM_001438830.1).
Identifiers: ClinVar variation 4726227 (VCV004726227.2).